The following is an entry in ClinVar:

ClinVar aggregate classification (germline): Conflicting classifications of pathogenicity. Review status: criteria provided, conflicting classifications (1 of 4 stars). 6 submissions from 6 submitters: Uncertain significance (2); Likely benign (3). 1 of the submissions does not count toward it. Last evaluated 2025-08-01.

Conditions:
BCHE-related disorder. Also called: BCHE-related condition.
Deficiency of butyrylcholinesterase (BCHED). Also called: Butyrylcholinesterase deficiency; Deficiency of butyrylcholine esterase; BCHE, silent 1; Acholinesterasemia. Identifiers: Orphanet 132, MedGen C1283400, MONDO:0015270, OMIM 617936.

Allele frequency attached by ClinVar (database versions not stated): gnomAD 0.00031 and 0.00033; gnomAD exomes 0.00034 and 0.00052; ExAC 0.00059; 1000 Genomes Project 30x 0.00062.
gnomAD v4.1: 579 of 1,613,978 alleles (0.036%); highest among the groups gnomAD compares: Middle Eastern, 0.33%; 1 homozygote.

Submissions (6):

CeGaT Center for Human Genetics Tuebingen
Classification: Likely benign. Last evaluated: 2025-08-01. Review status: criteria provided, single submitter. Criteria: CeGaT Center For Human Genetics Tuebingen Variant Classification Criteria Version 2. Collection method: clinical testing. Allele origin: germline. Affected: yes. Observed: 1 variant allele.
Comment: BCHE: BP4, BP7

Blueprint Genetics
Classification: Likely benign. Last evaluated: 2024-11-08. Review status: criteria provided, single submitter. Criteria: ACMG Guidelines, 2015. Collection method: clinical testing. Allele origin: germline.

Women's Health and Genetics/Laboratory Corporation of America, LabCorp
Classification: Likely benign. Last evaluated: 2023-09-27. Review status: criteria provided, single submitter. Criteria: LabCorp Variant Classification Summary - May 2015. Collection method: clinical testing. Allele origin: germline.

Illumina Laboratory Services, Illumina
Classification: Uncertain significance for Deficiency of butyrylcholinesterase. Last evaluated: 2017-04-28. Review status: criteria provided, single submitter. Criteria: ICSL Variant Classification Criteria 13 December 2019. Collection method: clinical testing. Allele origin: germline.

Breakthrough Genomics
Classification: Uncertain significance. Review status: criteria provided, single submitter. Criteria: ACMG Guidelines, 2015. Collection method: not provided. Allele origin: germline. Inheritance: Autosomal recessive inheritance. Affected: yes.

PreventionGenetics, part of Exact Sciences
Classification: Likely benign for BCHE-related condition. Last evaluated: 2019-12-26. Review status: no assertion criteria provided. Collection method: clinical testing. Allele origin: germline. Not counted in ClinVar's aggregate classification.
Comment: This variant is classified as likely benign based on ACMG/AMP sequence variant interpretation guidelines (Richards et al. 2015 PMID: 25741868, with internal and published modifications).

NM_000055.4(BCHE):c.435T>A (p.Gly145=)

Gene: BCHE (butyrylcholinesterase; minus strand). Cytogenetic location: 3q26.1.
Variant type: single nucleotide variant.
Coding change: c.435T>A on transcript NM_000055.4 (MANE Select); coding-DNA position 435, T replaced by A.
Protein change: p.Gly145=; no amino-acid change (glycine 145 retained).
Molecular consequence: synonymous variant. On other transcripts: non-coding transcript variant (1).
Genome position (GRCh38, 1-based): chr3:165,830,599, A>T on the plus strand (T>A on the coding strand, the complement: BCHE is on the minus strand). VCF-style: chr3-165830599-A-T. GRCh37 (hg19) VCF-style: chr3-165548387-A-T.
Other names: c.435T>A (NM_000055.3).
Identifiers: ClinVar variation 901557 (VCV000901557.17), dbSNP rs71534242, ClinGen allele CA2692512.
Genomic context (GRCh38, chr3:165,830,599, plus strand): 5'-TTCAACCCGAGCCAGAAACTTGCCATCATAAACATGTAAAGATGATGTTCCAGTTTGAAA[A>T]CCACCACCATAAATCCATATCAATACAGTGGCATTTTTTGGTTTAGGTGCTGGAATCCAT-3'
Protein context (NP_000046.1, residues 135-155): ATVLIWIYGG[Gly145=]FQTGTSSLHV